The following is an entry in ClinVar:

NM_005215.4(DCC):c.4299A>G (p.Glu1433=)

Gene: DCC (DCC netrin 1 receptor; plus strand). Cytogenetic location: 18q21.2.
Variant type: single nucleotide variant.
Coding change: c.4299A>G on transcript NM_005215.4 (MANE Select); coding-DNA position 4299, A replaced by G.
Protein change: p.Glu1433=; no amino-acid change (glutamic acid 1433 retained).
Molecular consequence: synonymous variant.
Genome position (GRCh38, 1-based): chr18:53,530,608, A>G. VCF-style: chr18-53530608-A-G. GRCh37 (hg19) VCF-style: chr18-51056978-A-G.
Identifiers: ClinVar variation 3047457 (VCV003047457.2), dbSNP rs1271358254, ClinGen allele CA503974523.

ClinVar aggregate classification (germline): Likely benign (0 of 4 stars; one submission).

Conditions:
DCC-related disorder. Also called: DCC-related condition.

Allele frequency attached by ClinVar (database versions not stated): gnomAD exomes below 0.00001; TOPMed below 0.00001; gnomAD 0.00001.
gnomAD v4.1: 3 of 1,605,030 alleles (0.00019%); highest among the groups gnomAD compares: South Asian, 0.0022%; no homozygotes.

Submission:

PreventionGenetics, part of Exact Sciences
Classification: Likely benign for DCC-related condition. Last evaluated: 2019-03-04. Review status: no assertion criteria provided. Collection method: clinical testing. Allele origin: germline.
Comment: This variant is classified as likely benign based on ACMG/AMP sequence variant interpretation guidelines (Richards et al. 2015 PMID: 25741868, with internal and published modifications).